The following is an entry in ClinVar:

ClinVar aggregate classification (germline): Uncertain significance (1 of 4 stars; one submission).

Submission:

Ambry Genetics
Classification: Uncertain significance. Last evaluated: 2024-10-21. Review status: criteria provided, single submitter. Criteria: Ambry Variant Classification Scheme 2023. Collection method: clinical testing. Allele origin: germline.
Comment: The p.D999H variant (also known as c.2995G>C), located in coding exon 1 of the MLH3 gene, results from a G to C substitution at nucleotide position 2995. The aspartic acid at codon 999 is replaced by histidine, an amino acid with similar properties. This amino acid position is conserved. In addition, this alteration is predicted to be tolerated by in silico analysis. Based on the available evidence, the clinical significance of this variant remains unclear.

NM_001040108.2(MLH3):c.2995G>C (p.Asp999His)

Gene: MLH3 (mutL homolog 3; minus strand). Cytogenetic location: 14q24.3.
Variant type: single nucleotide variant.
Coding change: c.2995G>C on transcript NM_001040108.2 (MANE Select); coding-DNA position 2995, G replaced by C.
Protein change: p.Asp999His; replaces aspartic acid 999 with histidine.
Molecular consequence: missense variant.
Genome position (GRCh38, 1-based): chr14:75,046,661, C>G on the plus strand (G>C on the coding strand, the complement: MLH3 is on the minus strand). VCF-style: chr14-75046661-C-G. GRCh37 (hg19) VCF-style: chr14-75513364-C-G.
Other names: c.2995G>C, p.Asp999His (NM_014381.3); short protein forms D999H.
Identifiers: ClinVar variation 3396752 (VCV003396752.1).